The following is an entry in ClinVar:

ClinVar aggregate classification (germline): Uncertain significance (1 of 4 stars; one submission).

Allele frequency attached by ClinVar (database versions not stated): TOPMed 0.00100; ExAC 0.00062; gnomAD 0.00107; gnomAD exomes 0.00162; ESP Exome Variant Server 0.00197; 1000 Genomes Project 30x 0.00016; 1000 Genomes Project 0.00020.
gnomAD v4.1: 2,423 of 1,550,986 alleles (0.16%); highest among the groups gnomAD compares: Non-Finnish European, 0.2%; 2 homozygotes.

Submission:

Labcorp Genetics (formerly Invitae), Labcorp
Classification: Uncertain significance. Last evaluated: 2026-01-19. Review status: criteria provided, single submitter. Criteria: Invitae Variant Classification Sherloc (09022015). Collection method: clinical testing. Allele origin: germline.
Comment: This sequence change creates a premature translational stop signal (p.Arg1583*) in the WDR87 gene. While this is not anticipated to result in nonsense mediated decay, it is expected to disrupt the last 1291 amino acid(s) of the WDR87 protein. This variant is present in population databases (rs189704315, gnomAD 0.1%), and has an allele count higher than expected for a pathogenic variant. This variant has not been reported in the literature in individuals affected with WDR87-related conditions. ClinVar contains an entry for this variant (Variation ID: 2752052). Experimental studies and prediction algorithms are not available or were not evaluated, and the functional significance of this variant is currently unknown. In summary, the available evidence is currently insufficient to determine the role of this variant in disease. Therefore, it has been classified as a Variant of Uncertain Significance.

NM_001291088.2(WDR87):c.4864C>T (p.Arg1622Ter)

Gene: WDR87 (WD repeat domain 87; minus strand). Cytogenetic location: 19q13.13.
Variant type: single nucleotide variant.
Coding change: c.4864C>T on transcript NM_001291088.2 (MANE Select); coding-DNA position 4864, C replaced by T.
Protein change: p.Arg1622Ter; replaces arginine 1622 with a stop codon.
Molecular consequence: nonsense.
Genome position (GRCh38, 1-based): chr19:37,888,807, G>A on the plus strand (C>T on the coding strand, the complement: WDR87 is on the minus strand). VCF-style: chr19-37888807-G-A. GRCh37 (hg19) VCF-style: chr19-38379447-G-A.
Other names: c.4747C>T, p.Arg1583Ter (NM_031951.5); short protein forms R1583*, R1622*.
Identifiers: ClinVar variation 2752052 (VCV002752052.3), dbSNP rs189704315, ClinGen allele CA9408623.
Genomic context (GRCh38, chr19:37,888,807, plus strand): 5'-CAAGTTTCTCTTCTTCTTGTGCTAATTTCCTCTCTTCTTGGGCTCGTTTTTTTTCAGCTC[G>A]GGCTCGTTTCCTGTGTATTCTGGCCCATTTGTGTTCTTCTTGGATGTGTCTCTGCTCTTC-3'